The following is an entry in ClinVar:

NM_153766.3(KCNJ1):c.1001dup (p.His335fs)

Gene: KCNJ1 (potassium inwardly rectifying channel subfamily J member 1; minus strand). Cytogenetic location: 11q24.3.
Variant type: Duplication.
Coding change: c.1001dup on transcript NM_153766.3 (MANE Select); coding-DNA position 1001, one base duplicated (C; older notation c.1001dupC).
Protein change: p.His335fs; shifts the reading frame from histidine 335.
Molecular consequence: frameshift variant.
Genome position (GRCh38, 1-based): chr11:128,839,243, G duplicated on the plus strand (C on the coding strand, the reverse complement: KCNJ1 is on the minus strand); the first of 4 consecutive G bases (chr11:128,839,243-128,839,246); duplicating any one gives the same sequence. VCF-style (leftmost placement, unchanged base first): chr11-128839242-A-AG. GRCh37 (hg19) VCF-style: chr11-128709137-A-AG.
Other names: c.1058dup, p.His354fs (NM_000220.6); c.1001dup, p.His335fs (NM_153764.3, NM_153767.4); c.1052dup, p.His352fs (NM_153765.3); short protein forms H335fs, H354fs, H352fs.
Identifiers: ClinVar variation 586075 (VCV000586075.15), dbSNP rs768286324, ClinGen allele CA6357402.
Genomic context (GRCh38, chr11:128,839,242, plus strand): 5'-ATAGCCTCTCTTCATCCTGGCTCTAACATCTTTCTCATTATAAAGGCACATGGCACAGTG[A>AG]GGGGTCTCCACTTCCACTGTCTTGCTAAAGTTATGGAAATCCACTCGGTATTTCCCTTCC-3'

ClinVar aggregate classification (germline): Pathogenic. Review status: criteria provided, multiple submitters, no conflicts (2 of 4 stars). 6 submissions from 6 submitters: Pathogenic (6). Last evaluated 2026-04-01.

Conditions:
Bartter disease type 2. Also called: HYPERPROSTAGLANDIN E SYNDROME 2; HYPOKALEMIC ALKALOSIS WITH HYPERCALCIURIA 2, ANTENATAL; Bartter syndrome, type 2, antenatal. Identifiers: Orphanet 112, Orphanet 620220, MedGen C1855849, MONDO:0009424, OMIM 241200.

Submissions (6):

CeGaT Center for Human Genetics Tuebingen
Classification: Pathogenic. Last evaluated: 2026-04-01. Review status: criteria provided, single submitter. Criteria: CeGaT Center For Human Genetics Tuebingen Variant Classification Criteria Version 2. Collection method: clinical testing. Allele origin: germline. Affected: yes. Observed: 2 variant alleles.
Comment: KCNJ1: PM3:Strong, PM2, PP4:Moderate, PVS1:Moderate

Labcorp Genetics (formerly Invitae), Labcorp
Classification: Pathogenic. Last evaluated: 2025-09-11. Review status: criteria provided, single submitter. Criteria: Invitae Variant Classification Sherloc (09022015). Collection method: clinical testing. Allele origin: germline.
Comment: This sequence change creates a premature translational stop signal (p.His354Serfs*8) in the KCNJ1 gene. While this is not anticipated to result in nonsense mediated decay, it is expected to disrupt the last 38 amino acid(s) of the KCNJ1 protein. This variant is present in population databases (rs768286324, gnomAD 0.01%). This premature translational stop signal has been observed in individuals with Bartter syndrome (PMID: 11318951). This variant is also known as 1116insC. ClinVar contains an entry for this variant (Variation ID: 586075). For these reasons, this variant has been classified as Pathogenic.

Rare Kidney Stone Consortium and the Mayo Clinic Hyperoxaluria Center, Mayo Clinic
Classification: Pathogenic for Bartter disease type 2. Last evaluated: 2025-05-01. Review status: criteria provided, single submitter. Criteria: ACMG Guidelines, 2015. Collection method: research. Allele origin: germline. Affected: yes.
Comment: ACMG: PVS1, PS1, PP4

MVZ Medizinische Genetik Mainz
Classification: Pathogenic for Bartter disease type 2. Last evaluated: 2025-01-23. Review status: criteria provided, single submitter. Criteria: UK Practice Guidelines For Variant Classification V4 01 2020. Collection method: clinical testing. Allele origin: germline. Inheritance: Autosomal recessive inheritance. Affected: yes. Observed: 1 variant allele.
Comment: ACMG Criteria: PM3_VSTR,PVS1_STR,PP1_MOD,PM2_SUP; Compound Heterozygote

Fulgent Genetics
Classification: Pathogenic for Bartter disease type 2. Last evaluated: 2024-01-24. Review status: criteria provided, single submitter. Criteria: ACMG Guidelines, 2015. Collection method: clinical testing. Allele origin: germline.

Athena Diagnostics
Classification: Pathogenic. Last evaluated: 2014-05-13. Review status: criteria provided, single submitter. Criteria: Athena Diagnostics Criteria. Collection method: clinical testing. Allele origin: germline.

Literature cited by the submitters: PubMed 11318951 (cited by 3 submitters); PubMed 34805638 (cited by Rare Kidney Stone Consortium and the Mayo Clinic Hyperoxaluria Center, Mayo Clinic); PubMed 31589614 (cited by Rare Kidney Stone Consortium and the Mayo Clinic Hyperoxaluria Center, Mayo Clinic); PubMed 9727001 (cited by Rare Kidney Stone Consortium and the Mayo Clinic Hyperoxaluria Center, Mayo Clinic and Athena Diagnostics).